The following is an entry in ClinVar:

ClinVar aggregate classification (germline): Pathogenic/Likely pathogenic. Review status: criteria provided, multiple submitters, no conflicts (2 of 4 stars). 7 submissions from 7 submitters: Pathogenic (1); Likely pathogenic (5). 1 of the submissions does not count toward it. Last evaluated 2025-12-30.

Conditions:
Ethylmalonic encephalopathy (EE). Also called: Syndrome of encephalopathy, petechiae, and ethylmalonic aciduria; EPEMA syndrome; Encephalopathy, petechiae, and ethylmalonic aciduria. Identifiers: Orphanet 51188, MedGen C1865349, MONDO:0011229, OMIM 602473. Disease mechanism: loss of function.

Allele frequency attached by ClinVar (database versions not stated): ExAC 0.00001; gnomAD exomes 0.00001.
gnomAD v4.1: 9 of 1,614,146 alleles (0.00056%); highest among the groups gnomAD compares: Non-Finnish European, 0.00068%; no homozygotes.

Submissions (7):

Labcorp Genetics (formerly Invitae), Labcorp
Classification: Likely pathogenic for Ethylmalonic encephalopathy. Last evaluated: 2025-12-30. Review status: criteria provided, single submitter. Criteria: Invitae Variant Classification Sherloc (09022015). Collection method: clinical testing. Allele origin: germline.
Comment: This sequence change falls in intron 3 of the ETHE1 gene. It does not directly change the encoded amino acid sequence of the ETHE1 protein. It affects a nucleotide within the consensus splice site. This variant is present in population databases (rs769259233, gnomAD 0.002%). This variant has been observed in individual(s) with ethylmalonic encephalopathy (PMID: 14732903, 16183799). ClinVar contains an entry for this variant (Variation ID: 488509). Variants that disrupt the consensus splice site are a relatively common cause of aberrant splicing (PMID: 17576681, 9536098). Algorithms developed to predict the effect of sequence changes on RNA splicing suggest that this variant may disrupt the consensus splice site. In summary, the currently available evidence indicates that the variant is pathogenic, but additional data are needed to prove that conclusively. Therefore, this variant has been classified as Likely Pathogenic.

Women's Health and Genetics/Laboratory Corporation of America, LabCorp
Classification: Likely pathogenic for Ethylmalonic encephalopathy. Last evaluated: 2025-04-03. Review status: criteria provided, single submitter. Criteria: LabCorp Variant Classification Summary - May 2015. Collection method: clinical testing. Allele origin: germline.
Comment: Variant summary: ETHE1 c.375+5G>A alters a nucleotide located close to a canonical splice site and therefore could affect mRNA splicing, leading to a significantly altered protein sequence. Several computational tools predict a significant impact on normal splicing: Two predict the variant abolishes a 5' splicing donor site. However, these predictions have yet to be confirmed by functional studies. The variant allele was found at a frequency of 1.2e-05 in 251394 control chromosomes (gnomAD). c.375+5G>A has been reported in the literature in individuals affected with Ethylmalonic Encephalopathy (Tiranti_2004, Tiranti__2005). These data indicate that the variant is likely to be associated with disease. To our knowledge, no experimental evidence demonstrating an impact on protein function has been reported. The following publications have been ascertained in the context of this evaluation (PMID: 14732903, 16183799, 21472225). ClinVar contains an entry for this variant (Variation ID: 488509). Based on the evidence outlined above, the variant was classified as likely pathogenic.

Natera, Inc.
Classification: Likely pathogenic for Ethylmalonic encephalopathy. Last evaluated: 2025-03-25. Review status: criteria provided, single submitter. Criteria: Natera Variant Classification Schema (03/2026). Collection method: clinical testing. Allele origin: germline.
Comment: The c.375+5G>A variant in ETHE1 is an intronic variant located outside the canonical splice sites. This variant is rare in the general population with a frequency below the threshold expected for the associated phenotype(s). This variant has been observed in one or more individuals affected with the associated recessive disease, as either homozygous or compound heterozygous with a second variant (PMID: 14732903, 16183799). Functional studies show that this variant may disrupt protein function (PMID: 14732903). Computational prediction algorithms indicate this variant is likely to affect gene or protein function. Given the available evidence, this variant is classified as Likely Pathogenic.

Baylor Genetics
Classification: Likely pathogenic for Ethylmalonic encephalopathy. Last evaluated: 2024-03-25. Review status: criteria provided, single submitter. Criteria: ACMG Guidelines, 2015. Collection method: clinical testing. Allele origin: unknown.

Fulgent Genetics
Classification: Likely pathogenic for Ethylmalonic encephalopathy. Last evaluated: 2024-03-25. Review status: criteria provided, single submitter. Criteria: ACMG Guidelines, 2015. Collection method: clinical testing. Allele origin: germline.

Institute of Human Genetics Munich, TUM University Hospital
Classification: Pathogenic for Ethylmalonic encephalopathy. Last evaluated: 2017-11-16. Review status: criteria provided, single submitter. Criteria: Classification criteria August 2017. Collection method: clinical testing. Allele origin: germline. Inheritance: Autosomal recessive inheritance. Affected: yes. Observed: 1 homozygote.

GeneReviews
No classification provided. Condition: Ethylmalonic encephalopathy. Review status: no classification provided. Collection method: literature only. Allele origin: germline. Not counted in ClinVar's aggregate classification.

Literature cited by the submitters: PubMed 14732903 (cited by 3 submitters); PubMed 16183799 (cited by 3 submitters); PubMed 17576681 (cited by Labcorp Genetics (formerly Invitae), Labcorp); PubMed 9536098 (cited by Labcorp Genetics (formerly Invitae), Labcorp); PubMed 21472225 (cited by Women's Health and Genetics/Laboratory Corporation of America, LabCorp); NCBI Bookshelf NBK453432 (cited by GeneReviews); PubMed 28933811 (cited by GeneReviews).

NM_014297.5(ETHE1):c.375+5G>A

Gene: ETHE1 (ETHE1 persulfide dioxygenase; minus strand). Cytogenetic location: 19q13.31.
Variant type: single nucleotide variant.
Coding change: c.375+5G>A on transcript NM_014297.5 (MANE Select); 5 bases into the intron after coding-DNA position 375, G replaced by A.
Molecular consequence: intron variant.
Genome position (GRCh38, 1-based): chr19:43,526,196, C>T on the plus strand (G>A on the coding strand, the complement: ETHE1 is on the minus strand). VCF-style: chr19-43526196-C-T. GRCh37 (hg19) VCF-style: chr19-44030348-C-T.
Other names: c.81+901G>A (NM_001320869.2); c.6+319G>A (NM_001320868.2); c.342+5G>A (NM_001320867.2); c.375+5G>A (NM_014297.4).
Identifiers: ClinVar variation 488509 (VCV000488509.11), dbSNP rs769259233, ClinGen allele CA9487889.